The following is an entry in ClinVar:

ClinVar aggregate classification (germline): Uncertain significance (1 of 4 stars; one submission).

Submission:

Mayo Clinic Laboratories, Mayo Clinic
Classification: Uncertain significance. Last evaluated: 2024-09-05. Review status: criteria provided, single submitter. Criteria: ACMG Guidelines, 2015. Collection method: clinical testing. Allele origin: germline. Observed: 1 variant allele.
Comment: PM2

NM_001267550.2(TTN):c.66244G>A (p.Asp22082Asn)

Genes: TTN (titin; minus strand), TTN-AS1 (TTN antisense RNA 1; plus strand). Cytogenetic location: 2q31.2.
Variant type: single nucleotide variant.
Coding change: c.66244G>A on transcript NM_001267550.2 (MANE Select); coding-DNA position 66244, G replaced by A.
Protein change: p.Asp22082Asn; replaces aspartic acid 22082 with asparagine.
Molecular consequence: missense variant.
Genome position (GRCh38, 1-based): chr2:178,582,125, C>T on the plus strand (G>A on the coding strand, the complement: TTN is on the minus strand). VCF-style: chr2-178582125-C-T. GRCh37 (hg19) VCF-style: chr2-179446852-C-T.
Other names: p.Asp19514Asn; c.61321G>A, p.Asp20441Asn (NM_001256850.1); c.39049G>A, p.Asp13017Asn (NM_003319.4); c.58540G>A, p.Asp19514Asn (NM_133378.4); c.39424G>A, p.Asp13142Asn (NM_133432.3); c.39625G>A, p.Asp13209Asn (NM_133437.4); short protein forms D13017N, D13142N, D13209N, D19514N, D20441N, D22082N.
Identifiers: ClinVar variation 3380880 (VCV003380880.1).